The following is an entry in ClinVar:

NM_017433.5(MYO3A):c.3760A>G (p.Lys1254Glu)

Gene: MYO3A (myosin IIIA; plus strand). Cytogenetic location: 10p12.1.
Variant type: single nucleotide variant.
Coding change: c.3760A>G on transcript NM_017433.5 (MANE Select); coding-DNA position 3760, A replaced by G.
Protein change: p.Lys1254Glu; replaces lysine 1254 with glutamic acid.
Molecular consequence: missense variant.
Genome position (GRCh38, 1-based): chr10:26,174,024, A>G. VCF-style: chr10-26174024-A-G. GRCh37 (hg19) VCF-style: chr10-26462953-A-G.
Other names: short protein forms K1254E.
Identifiers: ClinVar variation 2478169 (VCV002478169.3), dbSNP rs368827513, ClinGen allele CA5445323.
Genomic context (GRCh38, chr10:26,174,024, plus strand): 5'-GAAGCTATGATCCAGAGTTACTATCAGAGGTACACAGAGGAGAGGAATTGTGAAGAGTCA[A>G]AAGCAGCATATCTAGAAAGGAAGGCCATATCAGAAAGGCCAAGCTACCCAGTGCCTTGGT-3'
Protein context (NP_059129.3, residues 1244-1264): YTEERNCEES[Lys1254Glu]AAYLERKAIS

ClinVar aggregate classification (germline): Uncertain significance. Review status: criteria provided, multiple submitters, no conflicts (2 of 4 stars). 2 submissions from 2 submitters: Uncertain significance (2). Last evaluated 2025-11-24.

Conditions:
Inborn genetic diseases. Identifiers: MedGen C0950123, MeSH D030342.

Allele frequency attached by ClinVar (database versions not stated): ExAC 0.00001; gnomAD 0.00003; TOPMed 0.00003; gnomAD exomes 0.00005; ESP Exome Variant Server 0.00008.
gnomAD v4.1: 78 of 1,612,768 alleles (0.0048%); highest among the groups gnomAD compares: Non-Finnish European, 0.0063%; no homozygotes.

Submissions (2):

Labcorp Genetics (formerly Invitae), Labcorp
Classification: Uncertain significance. Last evaluated: 2025-11-24. Review status: criteria provided, single submitter. Criteria: Invitae Variant Classification Sherloc (09022015). Collection method: clinical testing. Allele origin: germline.
Comment: This sequence change replaces lysine, which is basic and polar, with glutamic acid, which is acidic and polar, at codon 1254 of the MYO3A protein (p.Lys1254Glu). This variant is present in population databases (rs368827513, gnomAD 0.003%). This variant has not been reported in the literature in individuals affected with MYO3A-related conditions. ClinVar contains an entry for this variant (Variation ID: 2478169). Invitae Evidence Modeling of protein sequence and biophysical properties (such as structural, functional, and spatial information, amino acid conservation, physicochemical variation, residue mobility, and thermodynamic stability) indicates that this missense variant is not expected to disrupt MYO3A protein function with a negative predictive value of 80%. In summary, the available evidence is currently insufficient to determine the role of this variant in disease. Therefore, it has been classified as a Variant of Uncertain Significance.

Ambry Genetics
Classification: Uncertain significance for Inborn genetic diseases. Last evaluated: 2023-01-23. Review status: criteria provided, single submitter. Criteria: Ambry Variant Classification Scheme 2023. Collection method: clinical testing. Allele origin: germline.